The following is an entry in ClinVar:

ClinVar aggregate classification (germline): Benign/Likely benign. Review status: criteria provided, multiple submitters, no conflicts (2 of 4 stars). 8 submissions from 8 submitters: Benign (2); Likely benign (5). 1 of the submissions does not count toward it. Last evaluated 2026-04-06.

Conditions:
ZNF469-related disorder. Also called: ZNF469-related condition.
Cardiovascular phenotype. Identifiers: MedGen CN230736.
Ehlers-Danlos syndrome (EDS). Identifiers: Orphanet 98249, MedGen C0013720, MONDO:0020066.

Allele frequency attached by ClinVar (database versions not stated): ExAC 0.00016; gnomAD exomes 0.00026 and 0.00070; 1000 Genomes Project 0.00220; 1000 Genomes Project 30x 0.00265; gnomAD 0.00267 and 0.00287; TOPMed 0.00285.
gnomAD v4.1: 799 of 1,520,578 alleles (0.053%); highest among the groups gnomAD compares: African/African-American, 0.88%; 6 homozygotes.

Submissions (8):

Women's Health and Genetics/Laboratory Corporation of America, LabCorp
Classification: Likely benign. Last evaluated: 2026-04-06. Review status: criteria provided, single submitter. Criteria: LabCorp Variant Classification Summary - May 2015. Collection method: clinical testing. Allele origin: germline.

Labcorp Genetics (formerly Invitae), Labcorp
Classification: Benign. Last evaluated: 2026-01-28. Review status: criteria provided, single submitter. Criteria: Invitae Variant Classification Sherloc (09022015). Collection method: clinical testing. Allele origin: germline.

Blueprint Genetics
Classification: Likely benign. Last evaluated: 2024-09-02. Review status: criteria provided, single submitter. Criteria: ACMG Guidelines, 2015. Collection method: clinical testing. Allele origin: germline.

Mayo Clinic Laboratories, Mayo Clinic
Classification: Benign. Last evaluated: 2024-08-20. Review status: criteria provided, single submitter. Criteria: ACMG Guidelines, 2015. Collection method: clinical testing. Allele origin: germline. Observed: 3 variant alleles.
Comment: BS1, BS2, BP4, BP7

Genome Diagnostics Laboratory, The Hospital for Sick Children
Classification: Likely benign for Ehlers-Danlos syndrome. Last evaluated: 2022-06-13. Review status: criteria provided, single submitter. Criteria: ACMG Guidelines, 2015. Collection method: clinical testing. Allele origin: germline.

GeneDx
Classification: Likely benign. Last evaluated: 2020-06-12. Review status: criteria provided, single submitter. Criteria: GeneDx Variant Classification Process June 2021. Collection method: clinical testing. Allele origin: germline. Affected: yes.

Ambry Genetics
Classification: Likely benign for Cardiovascular phenotype. Last evaluated: 2020-01-27. Review status: criteria provided, single submitter. Criteria: Ambry Variant Classification Scheme 2023. Collection method: clinical testing. Allele origin: germline.

PreventionGenetics, part of Exact Sciences
Classification: Benign for ZNF469-related condition. Last evaluated: 2019-06-07. Review status: no assertion criteria provided. Collection method: clinical testing. Allele origin: germline. Not counted in ClinVar's aggregate classification.
Comment: This variant is classified as benign based on ACMG/AMP sequence variant interpretation guidelines (Richards et al. 2015 PMID: 25741868, with internal and published modifications).

NM_001367624.2(ZNF469):c.2931C>T (p.Gly977=)

Gene: ZNF469 (zinc finger protein 469; plus strand). Cytogenetic location: 16q24.2.
Variant type: single nucleotide variant.
Coding change: c.2931C>T on transcript NM_001367624.2 (MANE Select); coding-DNA position 2931, C replaced by T.
Protein change: p.Gly977=; no amino-acid change (glycine 977 retained).
Molecular consequence: synonymous variant.
Genome position (GRCh38, 1-based): chr16:88,430,401, C>T. VCF-style: chr16-88430401-C-T. GRCh37 (hg19) VCF-style: chr16-88496809-C-T.
Other names: NM_001127464.1:c.2931C>T; NM_001127464.2:c.2931C>T; p.Gly977=.
Identifiers: ClinVar variation 320897 (VCV000320897.26), dbSNP rs539527724, ClinGen allele CA8224816.